The following is an entry in ClinVar:

ClinVar aggregate classification (germline): Conflicting classifications of pathogenicity. Review status: criteria provided, conflicting classifications (1 of 4 stars). 2 submissions from 2 submitters: Uncertain significance (1); Likely benign (1). Last evaluated 2025-07-14.

Conditions:
Inborn genetic diseases. Identifiers: MedGen C0950123, MeSH D030342.

Allele frequency attached by ClinVar (database versions not stated): TOPMed 0.00001; ExAC 0.00002; gnomAD exomes 0.00002 and 0.00003.
gnomAD v4.1: 27 of 1,614,178 alleles (0.0017%); highest among the groups gnomAD compares: South Asian, 0.019%; no homozygotes.

Submissions (2):

Labcorp Genetics (formerly Invitae), Labcorp
Classification: Uncertain significance. Last evaluated: 2025-07-14. Review status: criteria provided, single submitter. Criteria: Invitae Variant Classification Sherloc (09022015). Collection method: clinical testing. Allele origin: germline.
Comment: This sequence change replaces arginine, which is basic and polar, with glutamine, which is neutral and polar, at codon 1049 of the TUBGCP6 protein (p.Arg1049Gln). This variant is present in population databases (rs774109639, gnomAD 0.01%). This variant has not been reported in the literature in individuals affected with TUBGCP6-related conditions. ClinVar contains an entry for this variant (Variation ID: 959294). An algorithm developed to predict the effect of missense changes on protein structure and function outputs the following: PolyPhen-2: "Benign". The glutamine amino acid residue is found in multiple mammalian species, which suggests that this missense change does not adversely affect protein function. In summary, the available evidence is currently insufficient to determine the role of this variant in disease. Therefore, it has been classified as a Variant of Uncertain Significance.

Ambry Genetics
Classification: Likely benign for Inborn genetic diseases. Last evaluated: 2024-10-07. Review status: criteria provided, single submitter. Criteria: Ambry Variant Classification Scheme 2023. Collection method: clinical testing. Allele origin: germline.

NM_020461.4(TUBGCP6):c.3146G>A (p.Arg1049Gln)

Gene: TUBGCP6 (tubulin gamma complex component 6; minus strand). Cytogenetic location: 22q13.33.
Variant type: single nucleotide variant.
Coding change: c.3146G>A on transcript NM_020461.4 (MANE Select); coding-DNA position 3146, G replaced by A.
Protein change: p.Arg1049Gln; replaces arginine 1049 with glutamine.
Molecular consequence: missense variant.
Genome position (GRCh38, 1-based): chr22:50,221,213, C>T on the plus strand (G>A on the coding strand, the complement: TUBGCP6 is on the minus strand). VCF-style: chr22-50221213-C-T. GRCh37 (hg19) VCF-style: chr22-50659642-C-T.
Other names: short protein forms R1049Q.
Identifiers: ClinVar variation 959294 (VCV000959294.10), dbSNP rs774109639, ClinGen allele CA10308041.